The following is an entry in ClinVar:

NM_000548.5(TSC2):c.1688C>A (p.Ala563Asp)

Gene: TSC2 (TSC complex subunit 2; plus strand). Cytogenetic location: 16p13.3.
Variant type: single nucleotide variant.
Coding change: c.1688C>A on transcript NM_000548.5 (MANE Select); coding-DNA position 1688, C replaced by A.
Protein change: p.Ala563Asp; replaces alanine 563 with aspartic acid.
Molecular consequence: missense variant.
Genome position (GRCh38, 1-based): chr16:2,065,607, C>A. VCF-style: chr16-2065607-C-A. GRCh37 (hg19) VCF-style: chr16-2115608-C-A.
Other names: c.1688C>A, p.Ala563Asp (NM_001077183.3, NM_001114382.3, NM_001363528.2 and 6 more transcripts); c.1577C>A, p.Ala526Asp (NM_001318827.2, NM_001406670.1, NM_001406678.1); c.1541C>A, p.Ala514Asp (NM_001318829.2, NM_001406675.1, NM_001406676.1 and 1 more transcripts); c.1088C>A, p.Ala363Asp (NM_001318831.2, NM_001406680.1, NM_001406682.1 and 6 more transcripts); c.1721C>A, p.Ala574Asp (NM_001318832.2); c.1778C>A, p.Ala593Asp (NM_001406667.1, NM_001406668.1); c.1676C>A, p.Ala559Asp (NM_001406671.1, NM_001406673.1); c.1631C>A, p.Ala544Asp (NM_001406677.1); and 3 more; short protein forms A29D, A526D, A593D, A115D, A363D, A514D, A544D, A559D.
Identifiers: ClinVar variation 1778052 (VCV001778052.2), dbSNP rs2151209815, ClinGen allele CA394270557.

ClinVar aggregate classification (germline): Uncertain significance (1 of 4 stars; one submission).

Conditions:
Hereditary cancer-predisposing syndrome. Also called: Neoplastic Syndromes, Hereditary; Tumor predisposition; Hereditary Cancer Syndrome; Hereditary neoplastic syndrome. Identifiers: Orphanet 140162, MedGen C0027672, MeSH D009386, MONDO:0015356.

Submission:

Ambry Genetics
Classification: Uncertain significance for Hereditary cancer-predisposing syndrome. Last evaluated: 2017-09-30. Review status: criteria provided, single submitter. Criteria: Ambry Variant Classification Scheme 2023. Collection method: clinical testing. Allele origin: germline.
Comment: The p.A563D variant (also known as c.1688C>A), located in coding exon 15 of the TSC2 gene, results from a C to A substitution at nucleotide position 1688. The alanine at codon 563 is replaced by aspartic acid, an amino acid with dissimilar properties. This amino acid position is highly conserved in available vertebrate species. In addition, this alteration is predicted to be deleterious by in silico analysis. Since supporting evidence is limited at this time, the clinical significance of this alteration remains unclear.